The following is an entry in ClinVar:

ClinVar aggregate classification (germline): Uncertain significance (1 of 4 stars; one submission).

Conditions:
Peroxisome biogenesis disorder 3A (Zellweger). Also called: PEROXISOMAL BIOGENESIS DISORDER 3A (ZELLWEGER); Peroxisome biogenesis disorder 3A. Identifiers: Orphanet 912, MedGen C3553929, MONDO:0013927, OMIM 614859.

Submission:

Labcorp Genetics (formerly Invitae), Labcorp
Classification: Uncertain significance for Peroxisome biogenesis disorder 3A (Zellweger). Last evaluated: 2022-03-25. Review status: criteria provided, single submitter. Criteria: Invitae Variant Classification Sherloc (09022015). Collection method: clinical testing. Allele origin: germline.
Comment: This sequence change replaces lysine, which is basic and polar, with asparagine, which is neutral and polar, at codon 274 of the PEX12 protein (p.Lys274Asn). This variant is not present in population databases (gnomAD no frequency). This variant has not been reported in the literature in individuals affected with PEX12-related conditions. Algorithms developed to predict the effect of missense changes on protein structure and function are either unavailable or do not agree on the potential impact of this missense change (SIFT: "Tolerated"; PolyPhen-2: "Probably Damaging"; Align-GVGD: "Class C0"). In summary, the available evidence is currently insufficient to determine the role of this variant in disease. Therefore, it has been classified as a Variant of Uncertain Significance.

NM_000286.3(PEX12):c.822G>C (p.Lys274Asn)

Gene: PEX12 (peroxisomal biogenesis factor 12; minus strand). Cytogenetic location: 17q12.
Variant type: single nucleotide variant.
Coding change: c.822G>C on transcript NM_000286.3 (MANE Select); coding-DNA position 822, G replaced by C.
Protein change: p.Lys274Asn; replaces lysine 274 with asparagine.
Molecular consequence: missense variant.
Genome position (GRCh38, 1-based): chr17:35,576,040, C>G on the plus strand (G>C on the coding strand, the complement: PEX12 is on the minus strand). VCF-style: chr17-35576040-C-G. GRCh37 (hg19) VCF-style: chr17-33903059-C-G.
Other names: short protein forms K274N.
Identifiers: ClinVar variation 1959382 (VCV001959382.2), dbSNP rs2509168079, ClinGen allele CA399137299.